The following is an entry in ClinVar:

ClinVar aggregate classification (germline): Uncertain significance (1 of 4 stars; one submission).

Submission:

ISCA site 14
Classification: Uncertain significance. Last evaluated: 2011-08-12. Review status: criteria provided, single submitter. Criteria: Kaminsky et al. (Genet Med. 2011). Collection method: clinical testing. Allele origin: unknown. Affected: yes. Observed: 1 variant allele.
Comment: Copy number variation identified through the course of routine clinical cytogenomic testing in postnatal populations. Clinical assertions have been curated as described in Kaminsky et al. 2011.

GRCh38/hg38 7q36.1-36.2(chr7:152674212-153187462)x3

Genes: ACTR3B (actin related protein 3B; plus strand), XRCC2 (X-ray repair cross complementing 2; minus strand), LOC123956274 (Sharpr-MPRA regulatory region 2063; plus strand), LOC126860228 (MED14-independent group 3 enhancer GRCh37_chr7:152430472-152431671; plus strand), LOC126860229 (BRD4-independent group 4 enhancer GRCh37_chr7:152547394-152548593; plus strand) and 7 more. Cytogenetic location: 7q36.1-36.2.
Variant type: copy number gain.
Change: copy number 3 (three copies instead of two) of chr7:152,674,212-153,187,462 (513.3 kb, GRCh38 coordinates, 1-based), cytogenetic band 7q36.1-36.2.
Identifiers: ClinVar variation 59695 (VCV000059695.1).